The following is an entry in ClinVar:

ClinVar aggregate classification (germline): Uncertain significance (1 of 4 stars; one submission).

Allele frequency attached by ClinVar (database versions not stated): ExAC 0.00001; TOPMed 0.00001; gnomAD 0.00002.
gnomAD v4.1: 44 of 1,601,672 alleles (0.0027%); highest among the groups gnomAD compares: Non-Finnish European, 0.0037%; no homozygotes.

Submission:

Labcorp Genetics (formerly Invitae), Labcorp
Classification: Uncertain significance. Last evaluated: 2024-04-29. Review status: criteria provided, single submitter. Criteria: Invitae Variant Classification Sherloc (09022015). Collection method: clinical testing. Allele origin: germline.
Comment: This sequence change replaces serine, which is neutral and polar, with asparagine, which is neutral and polar, at codon 471 of the ANLN protein (p.Ser471Asn). This variant is present in population databases (rs770366033, gnomAD 0.003%). This variant has not been reported in the literature in individuals affected with ANLN-related conditions. Advanced modeling of protein sequence and biophysical properties (such as structural, functional, and spatial information, amino acid conservation, physicochemical variation, residue mobility, and thermodynamic stability) performed at Invitae indicates that this missense variant is not expected to disrupt ANLN protein function with a negative predictive value of 80%. In summary, the available evidence is currently insufficient to determine the role of this variant in disease. Therefore, it has been classified as a Variant of Uncertain Significance.

NM_018685.5(ANLN):c.1412G>A (p.Ser471Asn)

Gene: ANLN (anillin, actin binding protein; plus strand). Cytogenetic location: 7p14.2.
Variant type: single nucleotide variant.
Coding change: c.1412G>A on transcript NM_018685.5 (MANE Select); coding-DNA position 1412, G replaced by A.
Protein change: p.Ser471Asn; replaces serine 471 with asparagine.
Molecular consequence: missense variant.
Genome position (GRCh38, 1-based): chr7:36,415,774, G>A. VCF-style: chr7-36415774-G-A. GRCh37 (hg19) VCF-style: chr7-36455383-G-A.
Other names: c.1412G>A, p.Ser471Asn (NM_001284301.3, NM_001284302.3); short protein forms S471N.
Identifiers: ClinVar variation 2908444 (VCV002908444.3), dbSNP rs770366033, ClinGen allele CA4219601.
Genomic context (GRCh38, chr7:36,415,774, plus strand): 5'-ATAGTTTTGAGAAATAAAATTTACTTTTCATTCGCTTTTTGCAGGAAACTCACTGTCAGA[G>A]CACTCCCCTCAAAAAACACCAAGGTGTTTCAAAAACTCAGTCACTTCCAGTAACAGAAAA-3'
Protein context (NP_061155.2, residues 461-481): LETKQETHCQ[Ser471Asn]TPLKKHQGVS